The following is an entry in ClinVar:

NM_018249.6(CDK5RAP2):c.1924C>T (p.Arg642Trp)

Gene: CDK5RAP2 (CDK5 regulatory subunit associated protein 2; minus strand). Cytogenetic location: 9q33.2.
Variant type: single nucleotide variant.
Coding change: c.1924C>T on transcript NM_018249.6 (MANE Select); coding-DNA position 1924, C replaced by T.
Protein change: p.Arg642Trp; replaces arginine 642 with tryptophan.
Molecular consequence: missense variant. On other transcripts: non-coding transcript variant (5).
Genome position (GRCh38, 1-based): chr9:120,470,155, G>A on the plus strand (C>T on the coding strand, the complement: CDK5RAP2 is on the minus strand). VCF-style: chr9-120470155-G-A. GRCh37 (hg19) VCF-style: chr9-123232433-G-A.
Other names: c.1924C>T, p.Arg642Trp (NM_001011649.3, NM_001410993.1); c.1921C>T, p.Arg641Trp (NM_001272039.2, NM_001410992.1, NM_001410994.1); short protein forms R642W, R641W.
Identifiers: ClinVar variation 2896722 (VCV002896722.1), dbSNP rs373107372, ClinGen allele CA5214221.

ClinVar aggregate classification (germline): Uncertain significance (1 of 4 stars; one submission).

Allele frequency attached by ClinVar (database versions not stated): ExAC 0.00001; TOPMed 0.00001; gnomAD 0.00002; ESP Exome Variant Server 0.00008.
gnomAD v4.1: 32 of 1,592,412 alleles (0.002%); highest among the groups gnomAD compares: East Asian, 0.0045%; no homozygotes.

Submission:

Labcorp Genetics (formerly Invitae), Labcorp
Classification: Uncertain significance. Last evaluated: 2023-12-09. Review status: criteria provided, single submitter. Criteria: Invitae Variant Classification Sherloc (09022015). Collection method: clinical testing. Allele origin: germline.
Comment: This sequence change replaces arginine, which is basic and polar, with tryptophan, which is neutral and slightly polar, at codon 642 of the CDK5RAP2 protein (p.Arg642Trp). The frequency data for this variant in the population databases is considered unreliable, as metrics indicate poor data quality at this position in the gnomAD database. This variant has not been reported in the literature in individuals affected with CDK5RAP2-related conditions. An algorithm developed to predict the effect of missense changes on protein structure and function (PolyPhen-2) suggests that this variant is likely to be disruptive. In summary, the available evidence is currently insufficient to determine the role of this variant in disease. Therefore, it has been classified as a Variant of Uncertain Significance.